The following is an entry in ClinVar:

ClinVar aggregate classification (germline): Uncertain significance. Review status: criteria provided, multiple submitters, no conflicts (2 of 4 stars). 2 submissions from 2 submitters: Uncertain significance (2). Last evaluated 2023-06-17.

Conditions:
Neurofibromatosis, type 1 (NF1). Also called: VON RECKLINGHAUSEN DISEASE; NEUROFIBROMATOSIS, TYPE I, SOMATIC; Peripheral type neurofibromatosis; Neurofibromatosis, type I. Identifiers: Orphanet 636, MedGen C0027831, MONDO:0018975, OMIM 162200. Disease mechanism: loss of function.
Hereditary cancer-predisposing syndrome. Also called: Neoplastic Syndromes, Hereditary; Hereditary Cancer Syndrome; Tumor predisposition; Hereditary neoplastic syndrome. Identifiers: Orphanet 140162, MedGen C0027672, MeSH D009386, MONDO:0015356.

gnomAD v4.1: 1 of 1,613,940 alleles (0.000062%); highest among the groups gnomAD compares: Non-Finnish European, 0.000085%; no homozygotes.

Submissions (2):

Labcorp Genetics (formerly Invitae), Labcorp
Classification: Uncertain significance for Neurofibromatosis, type 1. Last evaluated: 2023-06-17. Review status: criteria provided, single submitter. Criteria: Invitae Variant Classification Sherloc (09022015). Collection method: clinical testing. Allele origin: germline.
Comment: This sequence change replaces glutamine, which is neutral and polar, with arginine, which is basic and polar, at codon 2561 of the NF1 protein (p.Gln2561Arg). This variant is not present in population databases (gnomAD no frequency). This variant has not been reported in the literature in individuals affected with NF1-related conditions. ClinVar contains an entry for this variant (Variation ID: 1692352). Advanced modeling of protein sequence and biophysical properties (such as structural, functional, and spatial information, amino acid conservation, physicochemical variation, residue mobility, and thermodynamic stability) performed at Invitae indicates that this missense variant is not expected to disrupt NF1 protein function. In summary, the available evidence is currently insufficient to determine the role of this variant in disease. Therefore, it has been classified as a Variant of Uncertain Significance.

Sema4
Classification: Uncertain significance for Hereditary cancer-predisposing syndrome. Last evaluated: 2021-11-27. Review status: criteria provided, single submitter. Criteria: Sema4 Curation Guidelines. Collection method: curation. Allele origin: germline.
Comment: The NF1 c.7682A>G (p.Q2561R) variant has not been reported in the literature to our knowledge. It was not observed in the large and broad cohorts of the Genome Aggregation Database (PMID: 32461654). This variant has not been reported in ClinVar. In silico tools suggest the impact of the variant on protein function is benign, though these predictions have not been confirmed by functional studies. The evidence is insufficient to meet ACMG/AMP criteria for classifying the variant as benign or pathogenic. Thus, the clinical significance of this variant is currently uncertain.

NM_001042492.3(NF1):c.7745A>G (p.Gln2582Arg)

Gene: NF1 (neurofibromin 1; plus strand). Cytogenetic location: 17q11.2.
Variant type: single nucleotide variant.
Coding change: c.7745A>G on transcript NM_001042492.3 (MANE Select); coding-DNA position 7745, A replaced by G.
Protein change: p.Gln2582Arg; replaces glutamine 2582 with arginine.
Molecular consequence: missense variant.
Genome position (GRCh38, 1-based): chr17:31,356,966, A>G. VCF-style: chr17-31356966-A-G. GRCh37 (hg19) VCF-style: chr17-29683984-A-G.
Other names: c.7682A>G, p.Gln2561Arg (NM_000267.4); short protein forms Q2561R, Q2582R.
Identifiers: ClinVar variation 1692352 (VCV001692352.4), dbSNP rs2151582173, ClinGen allele CA399018325.